The following is an entry in ClinVar:

NM_002878.4(RAD51D):c.621G>T (p.Ser207=)

Genes: RAD51D (RAD51 paralog D; minus strand), RAD51L3-RFFL (RAD51L3-RFFL readthrough; minus strand). Cytogenetic location: 17q12.
Variant type: single nucleotide variant.
Coding change: c.621G>T on transcript NM_002878.4 (MANE Select); coding-DNA position 621, G replaced by T.
Protein change: p.Ser207=; no amino-acid change (serine 207 retained).
Molecular consequence: synonymous variant. On other transcripts: non-coding transcript variant (3).
Genome position (GRCh38, 1-based): chr17:35,103,500, C>A on the plus strand (G>T on the coding strand, the complement: RAD51D is on the minus strand). VCF-style: chr17-35103500-C-A. GRCh37 (hg19) VCF-style: chr17-33430519-C-A.
Other names: c.681G>T, p.Ser227= (NM_001142571.2); c.285G>T, p.Ser95= (NM_133629.3).
Identifiers: ClinVar variation 185908 (VCV000185908.44), dbSNP rs749859221, ClinGen allele CA193330.

ClinVar aggregate classification (germline): Benign/Likely benign. Review status: criteria provided, multiple submitters, no conflicts (2 of 4 stars). 8 submissions from 8 submitters: Benign (1); Likely benign (6). 1 of the submissions does not count toward it. Last evaluated 2025-11-05.

Conditions:
RAD51D-related disorder. Also called: RAD51D-related condition.
Hereditary cancer-predisposing syndrome. Also called: Tumor predisposition; Neoplastic Syndromes, Hereditary; Hereditary Cancer Syndrome; Hereditary neoplastic syndrome. Identifiers: Orphanet 140162, MedGen C0027672, MeSH D009386, MONDO:0015356.
Breast-ovarian cancer, familial, susceptibility to, 4. Identifiers: Orphanet 145, MedGen C3280345, MONDO:0013669, OMIM 614291.

Allele frequency attached by ClinVar (database versions not stated): ExAC 0.00001; gnomAD exomes 0.00001.

Submissions (8):

Labcorp Genetics (formerly Invitae), Labcorp
Classification: Likely benign for Breast-ovarian cancer, familial, susceptibility to, 4. Last evaluated: 2025-11-05. Review status: criteria provided, single submitter. Criteria: Invitae Variant Classification Sherloc (09022015). Collection method: clinical testing. Allele origin: germline.

Myriad Genetics, Inc.
Classification: Benign for Breast-ovarian cancer, familial, susceptibility to, 4. Last evaluated: 2025-02-24. Review status: criteria provided, single submitter. Criteria: Myriad Autosomal Dominant, Autosomal Recessive and X-Linked Classification Criteria (2023). Collection method: clinical testing. Allele origin: unknown.
Comment: This variant is considered benign. This variant is a silent/synonymous amino acid change and it is not expected to impact splicing.

CeGaT Center for Human Genetics Tuebingen
Classification: Likely benign. Last evaluated: 2023-08-01. Review status: criteria provided, single submitter. Criteria: CeGaT Center For Human Genetics Tuebingen Variant Classification Criteria Version 2. Collection method: clinical testing. Allele origin: germline. Affected: yes. Observed: 1 variant allele.
Comment: RAD51D: BP4, BP7

Sema4
Classification: Likely benign for Hereditary cancer-predisposing syndrome. Last evaluated: 2021-12-10. Review status: criteria provided, single submitter. Criteria: Sema4 Curation Guidelines. Collection method: curation. Allele origin: germline.

GeneDx
Classification: Likely benign. Last evaluated: 2021-02-18. Review status: criteria provided, single submitter. Criteria: GeneDx Variant Classification Process June 2021. Collection method: clinical testing. Allele origin: germline. Affected: yes.

Ambry Genetics
Classification: Likely benign for Hereditary cancer-predisposing syndrome. Last evaluated: 2019-05-17. Review status: criteria provided, single submitter. Criteria: Ambry Variant Classification Scheme 2023. Collection method: clinical testing. Allele origin: germline.

Color Diagnostics, LLC DBA Color Health
Classification: Likely benign for Hereditary cancer-predisposing syndrome. Last evaluated: 2018-04-11. Review status: criteria provided, single submitter. Criteria: ACMG Guidelines, 2015. Collection method: clinical testing. Allele origin: germline.

PreventionGenetics, part of Exact Sciences
Classification: Likely benign for RAD51D-related condition. Last evaluated: 2020-06-19. Review status: no assertion criteria provided. Collection method: clinical testing. Allele origin: germline. Not counted in ClinVar's aggregate classification.
Comment: This variant is classified as likely benign based on ACMG/AMP sequence variant interpretation guidelines (Richards et al. 2015 PMID: 25741868, with internal and published modifications).